The following is an entry in ClinVar:

NM_000195.5(HPS1):c.1238C>T (p.Pro413Leu)

Gene: HPS1 (HPS1 biogenesis of lysosomal organelles complex 3 subunit 1; minus strand). Cytogenetic location: 10q24.2.
Variant type: single nucleotide variant.
Coding change: c.1238C>T on transcript NM_000195.5 (MANE Select); coding-DNA position 1238, C replaced by T.
Protein change: p.Pro413Leu; replaces proline 413 with leucine.
Molecular consequence: missense variant.
Genome position (GRCh38, 1-based): chr10:98,425,638, G>A on the plus strand (C>T on the coding strand, the complement: HPS1 is on the minus strand). VCF-style: chr10-98425638-G-A. GRCh37 (hg19) VCF-style: chr10-100185395-G-A.
Other names: c.1238C>T (NM_000195.3); c.266C>T, p.Pro89Leu (NM_001311345.2, NM_001322487.2, NM_001322489.2); c.1238C>T, p.Pro413Leu (NM_001322476.2, NM_001322477.2); c.1139C>T, p.Pro380Leu (NM_001322478.2, NM_001322479.2); c.977C>T, p.Pro326Leu (NM_001322480.2, NM_001322481.2); c.878C>T, p.Pro293Leu (NM_001322482.2); c.869C>T, p.Pro290Leu (NM_001322483.2, NM_001322484.2); c.770C>T, p.Pro257Leu (NM_001322485.2); short protein forms P326L, P257L, P293L, P380L, P290L, P89L, P413L.
Identifiers: ClinVar variation 2200929 (VCV002200929.3), dbSNP rs763592883, ClinGen allele CA5639102.

ClinVar aggregate classification (germline): Uncertain significance. Review status: criteria provided, multiple submitters, no conflicts (2 of 4 stars). 3 submissions from 3 submitters: Uncertain significance (3). Last evaluated 2025-03-19.

Conditions:
Inborn genetic diseases. Identifiers: MedGen C0950123, MeSH D030342.

Allele frequency attached by ClinVar (database versions not stated): ExAC 0.00006; TOPMed 0.00010; gnomAD exomes 0.00003; gnomAD 0.00005.
gnomAD v4.1: 61 of 1,613,602 alleles (0.0038%); highest among the groups gnomAD compares: Non-Finnish European, 0.0042%; no homozygotes.

Submissions (3):

GeneDx
Classification: Uncertain significance. Last evaluated: 2025-03-19. Review status: criteria provided, single submitter. Criteria: GeneDx Variant Classification Process June 2021. Collection method: clinical testing. Allele origin: germline. Affected: yes.
Comment: In silico analysis indicates that this missense variant does not alter protein structure/function; Has not been previously published as pathogenic or benign to our knowledge

Labcorp Genetics (formerly Invitae), Labcorp
Classification: Uncertain significance. Last evaluated: 2022-08-21. Review status: criteria provided, single submitter. Criteria: Invitae Variant Classification Sherloc (09022015). Collection method: clinical testing. Allele origin: germline.
Comment: This sequence change replaces proline, which is neutral and non-polar, with leucine, which is neutral and non-polar, at codon 413 of the HPS1 protein (p.Pro413Leu). This variant is present in population databases (rs763592883, gnomAD 0.01%). This variant has not been reported in the literature in individuals affected with HPS1-related conditions. Algorithms developed to predict the effect of missense changes on protein structure and function (SIFT, PolyPhen-2, Align-GVGD) all suggest that this variant is likely to be tolerated. In summary, the available evidence is currently insufficient to determine the role of this variant in disease. Therefore, it has been classified as a Variant of Uncertain Significance.

Ambry Genetics
Classification: Uncertain significance for Inborn genetic diseases. Last evaluated: 2021-08-16. Review status: criteria provided, single submitter. Criteria: Ambry Variant Classification Scheme 2023. Collection method: clinical testing. Allele origin: germline.